The following is an entry in ClinVar:

NM_006389.5(HYOU1):c.1101C>A (p.Leu367=)

Gene: HYOU1 (hypoxia up-regulated 1; minus strand). Cytogenetic location: 11q23.3.
Variant type: single nucleotide variant.
Coding change: c.1101C>A on transcript NM_006389.5 (MANE Select); coding-DNA position 1101, C replaced by A.
Protein change: p.Leu367=; no amino-acid change (leucine 367 retained).
Molecular consequence: synonymous variant.
Genome position (GRCh38, 1-based): chr11:119,052,316, G>T on the plus strand (C>A on the coding strand, the complement: HYOU1 is on the minus strand). VCF-style: chr11-119052316-G-T. GRCh37 (hg19) VCF-style: chr11-118923028-G-T.
Other names: c.1101C>A, p.Leu367= (NM_001130991.3, NM_001411041.1).
Identifiers: ClinVar variation 2010399 (VCV002010399.4), dbSNP rs782388507, ClinGen allele CA2580083622.
Genomic context (GRCh38, chr11:119,052,316, plus strand): 5'-TTTCCTACGGGGCATTCCCGCCTTCCCCTACTCGCTCACCAGACTCATTTCGGCACTCTG[G>T]AGGGCCTGCTGTACAGGCCCAGGCACCCGCTCAAACAAGTCTGCACACAACTCCTCAAAT-3'
Protein context (NP_006380.1, residues 357-377): ERVPGPVQQA[Leu367=]QSAEMSLDEI

ClinVar aggregate classification (germline): Uncertain significance (1 of 4 stars; one submission).

gnomAD v4.1: 1 of 1,614,162 alleles (0.000062%); no homozygotes.

Submission:

Labcorp Genetics (formerly Invitae), Labcorp
Classification: Uncertain significance. Last evaluated: 2022-06-24. Review status: criteria provided, single submitter. Criteria: Invitae Variant Classification Sherloc (09022015). Collection method: clinical testing. Allele origin: germline.
Comment: In summary, the available evidence is currently insufficient to determine the role of this variant in disease. Therefore, it has been classified as a Variant of Uncertain Significance. This variant has not been reported in the literature in individuals affected with HYOU1-related conditions. This variant is not present in population databases (gnomAD no frequency). This sequence change affects codon 367 of the HYOU1 mRNA. It is a 'silent' change, meaning that it does not change the encoded amino acid sequence of the HYOU1 protein.